The following is an entry in ClinVar:

ClinVar aggregate classification (germline): Likely pathogenic (1 of 4 stars; one submission).

Conditions:
Hyperimmunoglobulin D with periodic fever (HIDS). Also called: Hyperimmunoglobulinemia D with periodic fever; HYPERIMMUNOGLOBULINEMIA D AND PERIODIC FEVER SYNDROME; Hyperimmunoglobulinemia D. Identifiers: Orphanet 343, MedGen C0398691, MONDO:0009849, OMIM 260920.

Submission:

Laboratorio de Genetica e Diagnostico Molecular, Hospital Israelita Albert Einstein
Classification: Likely pathogenic for Hyperimmunoglobulin D with periodic fever. Last evaluated: 2021-11-01. Review status: criteria provided, single submitter. Criteria: ACMG Guidelines, 2015. Collection method: clinical testing. Allele origin: germline. Affected: yes.
Comment: ACMG classification criteria: PS3 supporting, PS4 supporting, PM2 moderate, PM3 supporting, PP3 supporting

NM_000431.4(MVK):c.62C>T (p.Ala21Val)

Gene: MVK (mevalonate kinase; plus strand). Cytogenetic location: 12q24.11.
Variant type: single nucleotide variant.
Coding change: c.62C>T on transcript NM_000431.4 (MANE Select); coding-DNA position 62, C replaced by T.
Protein change: p.Ala21Val; replaces alanine 21 with valine.
Molecular consequence: missense variant.
Genome position (GRCh38, 1-based): chr12:109,574,884, C>T. VCF-style: chr12-109574884-C-T. GRCh37 (hg19) VCF-style: chr12-110012689-C-T.
Other names: c.62C>T, p.Ala21Val (NM_001114185.3, NM_001301182.2); short protein forms A21V.
Identifiers: ClinVar variation 1683508 (VCV001683508.2), dbSNP rs2136216750, ClinGen allele CA386642937.